The following is an entry in ClinVar:

Conditions:
Long QT syndrome 5 (LQT5). Identifiers: Orphanet 101016, Orphanet 768, MedGen C1867904, MONDO:0013372, OMIM 613695.

Submission:

Roden Lab, Vanderbilt University Medical Center
No classification provided (evidence only). Condition: Long QT syndrome 5. Review status: no classification provided. Collection method: in vitro. Allele origin: not applicable. Functional consequence: Effect on ion channel function.
ClinVar note: "not provided" was previously submitted as the classification for the variant. However, the classification appeared to be based only on an observation of functional data so it was converted to no classification on 2025-07-30.

NM_000219.6(KCNE1):c.34T>A (p.Phe12Ile)

Gene: KCNE1 (potassium voltage-gated channel subfamily E regulatory subunit 1; minus strand). Cytogenetic location: 21q22.12.
Variant type: single nucleotide variant.
Coding change: c.34T>A on transcript NM_000219.6 (MANE Select); coding-DNA position 34, T replaced by A.
Protein change: p.Phe12Ile; replaces phenylalanine 12 with isoleucine.
Molecular consequence: missense variant.
Genome position (GRCh38, 1-based): chr21:34,449,601, A>T on the plus strand (T>A on the coding strand, the complement: KCNE1 is on the minus strand). VCF-style: chr21-34449601-A-T. GRCh37 (hg19) VCF-style: chr21-35821899-A-T.
Other names: c.34T>A, p.Phe12Ile (NM_001127668.4, NM_001127669.4, NM_001127670.4 and 4 more transcripts); short protein forms F12I.
Identifiers: ClinVar variation 3373772 (VCV003373772.2).